The following is an entry in ClinVar:

NM_000064.4(C3):c.555G>C (p.Gln185His)

Gene: C3 (complement C3; minus strand). Cytogenetic location: 19p13.3.
Variant type: single nucleotide variant.
Coding change: c.555G>C on transcript NM_000064.4 (MANE Select); coding-DNA position 555, G replaced by C.
Protein change: p.Gln185His; replaces glutamine 185 with histidine.
Molecular consequence: missense variant.
Genome position (GRCh38, 1-based): chr19:6,714,396, C>G on the plus strand (G>C on the coding strand, the complement: C3 is on the minus strand). VCF-style: chr19-6714396-C-G. GRCh37 (hg19) VCF-style: chr19-6714407-C-G.
Other names: short protein forms Q185H.
Identifiers: ClinVar variation 3063639 (VCV003063639.2), dbSNP rs2512267216, ClinGen allele CA403643464.

ClinVar aggregate classification (germline): Uncertain significance. Review status: criteria provided, multiple submitters, no conflicts (2 of 4 stars). 2 submissions from 2 submitters: Uncertain significance (2). Last evaluated 2025-09-30.

Conditions:
Atypical hemolytic-uremic syndrome. Identifiers: Orphanet 2134, MedGen C2931788, MONDO:0016244.

Submissions (2):

Genomenon, Inc
Classification: Uncertain significance for Atypical hemolytic-uremic syndrome. Last evaluated: 2025-09-30. Review status: criteria provided, single submitter. Criteria: Genomenon Sequence Variant Interpretation Standards. Collection method: curation. Allele origin: germline. Affected: yes.
Comment: C3 p.Gln185His (c.555G>C) is a missense variant that changes the amino acid at residue 185 from Glutamine to Histidine. This variant has been observed in at least one proband affected with atypical hemolytic-uremic syndrome (PMID:28752844). Functional studies have been reported; however, the significance of the findings remain unclear (PMID:25608561). It is absent or not present at a significant frequency in gnomAD. In silico models agree that this variant is not damaging. In conclusion, we classify C3 p.Gln185His (c.555G>C) as a variant of unknown significance.

Women's Health and Genetics/Laboratory Corporation of America, LabCorp
Classification: Uncertain significance. Last evaluated: 2024-01-23. Review status: criteria provided, single submitter. Criteria: LabCorp Variant Classification Summary - May 2015. Collection method: clinical testing. Allele origin: germline.
Comment: Variant summary: C3 c.555G>C (p.Gln185His) results in a non-conservative amino acid change located in the Macroglobulin domain (IPR002890) of the encoded protein sequence. Four of five in-silico tools predict a benign effect of the variant on protein function. The variant was absent in 251334 control chromosomes (gnomAD). The available data on variant occurrences in the general population are insufficient to allow any conclusion about variant significance. c.555G>C has been reported in the literature in at-least one individual affected Atypical Hemolytic Uremic Syndrome however, authors classified this variant as VUS (example: Gaut_2017). This report does not provide unequivocal conclusions about association of the variant with Genetic Atypical Hemolytic Uremic Syndrome. The following publications have been ascertained in the context of this evaluation (PMID: 28752844, 25608561). No submitters have cited clinical-significance assessments for this variant to ClinVar. Based on the evidence outlined above, the variant was classified as uncertain significance.

Literature cited by the submitters: PubMed 28752844 (cited by Genomenon, Inc and Women's Health and Genetics/Laboratory Corporation of America, LabCorp); PubMed 25608561 (cited by Genomenon, Inc and Women's Health and Genetics/Laboratory Corporation of America, LabCorp).